The following is an entry in ClinVar:

NC_000002.12:g.(?_151496266)_(151497728_?)del

Genes: NEB (nebulin; minus strand), RIF1 (replication timing regulatory factor 1; plus strand). Cytogenetic location: 2q23.3.
Variant type: Deletion.
Identifiers: ClinVar variation 662289 (VCV000662289.3).

ClinVar aggregate classification (germline): Uncertain significance (1 of 4 stars; one submission).

Conditions:
Nemaline myopathy 2 (NEM2). Also called: Nemaline myopathy 2, autosomal recessive. Identifiers: MedGen C1850569, MONDO:0009725, OMIM 256030.

Submission:

Labcorp Genetics (formerly Invitae), Labcorp
Classification: Uncertain significance for Nemaline myopathy 2. Last evaluated: 2021-08-04. Review status: criteria provided, single submitter. Criteria: Invitae Variant Classification Sherloc (09022015). Collection method: clinical testing. Allele origin: germline.
Comment: This variant is a gross deletion of the genomic region encompassing exon(s) 172-174 of the NEB gene. This variant would be expected to be in-frame, preserving the integrity of the reading frame. This variant has not been reported in the literature in individuals affected with NEB-related conditions. Experimental studies and prediction algorithms are not available or were not evaluated, and the functional significance of this variant is currently unknown. In summary, the available evidence is currently insufficient to determine the role of this variant in disease. Therefore, it has been classified as a Variant of Uncertain Significance.